The following is an entry in ClinVar:

ClinVar aggregate classification (germline): Uncertain significance. Review status: criteria provided, multiple submitters, no conflicts (2 of 4 stars). 2 submissions from 2 submitters: Uncertain significance (2). Last evaluated 2022-06-22.

Conditions:
Hypotonia with lactic acidemia and hyperammonemia. Identifiers: Orphanet 137908, MedGen C2673642, MONDO:0012718, OMIM 611719.

Allele frequency attached by ClinVar (database versions not stated): gnomAD 0.00001; gnomAD exomes 0.00001 and 0.00002; TOPMed 0.00001; ExAC 0.00002.
gnomAD v4.1: 20 of 1,612,076 alleles (0.0012%); highest among the groups gnomAD compares: Non-Finnish European, 0.0014%; no homozygotes.

Submissions (2):

Labcorp Genetics (formerly Invitae), Labcorp
Classification: Uncertain significance. Last evaluated: 2022-06-22. Review status: criteria provided, single submitter. Criteria: Invitae Variant Classification Sherloc (09022015). Collection method: clinical testing. Allele origin: germline.
Comment: This sequence change affects codon 244 of the MRPS22 mRNA. It is a 'silent' change, meaning that it does not change the encoded amino acid sequence of the MRPS22 protein. This variant also falls at the last nucleotide of exon 5, which is part of the consensus splice site for this exon. This variant is present in population databases (rs755022329, gnomAD 0.008%). This variant has not been reported in the literature in individuals affected with MRPS22-related conditions. ClinVar contains an entry for this variant (Variation ID: 343489). Variants that disrupt the consensus splice site are a relatively common cause of aberrant splicing (PMID: 17576681, 9536098). Algorithms developed to predict the effect of sequence changes on RNA splicing suggest that this variant may disrupt the consensus splice site. In summary, the available evidence is currently insufficient to determine the role of this variant in disease. Therefore, it has been classified as a Variant of Uncertain Significance.

Illumina Laboratory Services, Illumina
Classification: Uncertain significance for Hypotonia with lactic acidemia and hyperammonemia. Last evaluated: 2018-01-12. Review status: criteria provided, single submitter. Criteria: ICSL Variant Classification Criteria 13 December 2019. Collection method: clinical testing. Allele origin: germline.

Literature cited by the submitters: PubMed 17576681 (cited by Labcorp Genetics (formerly Invitae), Labcorp); PubMed 9536098 (cited by Labcorp Genetics (formerly Invitae), Labcorp).

NM_020191.4(MRPS22):c.732G>A (p.Lys244=)

Gene: MRPS22 (mitochondrial ribosomal protein S22; plus strand). Cytogenetic location: 3q23.
Variant type: single nucleotide variant.
Coding change: c.732G>A on transcript NM_020191.4 (MANE Select); coding-DNA position 732, G replaced by A.
Protein change: p.Lys244=; no amino-acid change (lysine 244 retained).
Molecular consequence: synonymous variant.
Genome position (GRCh38, 1-based): chr3:139,351,060, G>A. VCF-style: chr3-139351060-G-A. GRCh37 (hg19) VCF-style: chr3-139069902-G-A.
Other names: c.609G>A, p.Lys203= (NM_001363857.1); c.729G>A, p.Lys243= (NM_001363893.1).
Identifiers: ClinVar variation 343489 (VCV000343489.6), dbSNP rs755022329, ClinGen allele CA2640792.